The following is an entry in ClinVar:

NM_005560.6(LAMA5):c.5275C>T (p.Arg1759Cys)

Gene: LAMA5 (laminin subunit alpha 5; minus strand). Cytogenetic location: 20q13.33.
Variant type: single nucleotide variant.
Coding change: c.5275C>T on transcript NM_005560.6 (MANE Select); coding-DNA position 5275, C replaced by T.
Protein change: p.Arg1759Cys; replaces arginine 1759 with cysteine.
Molecular consequence: missense variant.
Genome position (GRCh38, 1-based): chr20:62,326,700, G>A on the plus strand (C>T on the coding strand, the complement: LAMA5 is on the minus strand). VCF-style: chr20-62326700-G-A. GRCh37 (hg19) VCF-style: chr20-60901756-G-A.
Other names: short protein forms R1759C.
Identifiers: ClinVar variation 2185628 (VCV002185628.14), dbSNP rs369951035, ClinGen allele CA9942256.

ClinVar aggregate classification (germline): Uncertain significance. Review status: criteria provided, multiple submitters, no conflicts (2 of 4 stars). 2 submissions from 2 submitters: Uncertain significance (2). Last evaluated 2025-05-01.

Allele frequency attached by ClinVar (database versions not stated): gnomAD 0.00001; TOPMed 0.00002; gnomAD exomes 0.00005; ESP Exome Variant Server 0.00008.
gnomAD v4.1: 79 of 1,612,616 alleles (0.0049%); highest among the groups gnomAD compares: Non-Finnish European, 0.006%; no homozygotes.

Submissions (2):

CeGaT Center for Human Genetics Tuebingen
Classification: Uncertain significance. Last evaluated: 2025-05-01. Review status: criteria provided, single submitter. Criteria: CeGaT Center For Human Genetics Tuebingen Variant Classification Criteria Version 2. Collection method: clinical testing. Allele origin: germline. Affected: yes. Observed: 1 variant allele.
Comment: LAMA5: PM2, BP4

Labcorp Genetics (formerly Invitae), Labcorp
Classification: Uncertain significance. Last evaluated: 2022-06-01. Review status: criteria provided, single submitter. Criteria: Invitae Variant Classification Sherloc (09022015). Collection method: clinical testing. Allele origin: germline.
Comment: In summary, the available evidence is currently insufficient to determine the role of this variant in disease. Therefore, it has been classified as a Variant of Uncertain Significance. Algorithms developed to predict the effect of missense changes on protein structure and function are either unavailable or do not agree on the potential impact of this missense change (SIFT: "Tolerated"; PolyPhen-2: "Possibly Damaging"; Align-GVGD: "Class C0"). This variant has not been reported in the literature in individuals affected with LAMA5-related conditions. This variant is present in population databases (rs369951035, gnomAD 0.01%). This sequence change replaces arginine, which is basic and polar, with cysteine, which is neutral and slightly polar, at codon 1759 of the LAMA5 protein (p.Arg1759Cys).